The following is an entry in ClinVar:

ClinVar aggregate classification (germline): Uncertain significance (1 of 4 stars; one submission).

Conditions:
Baller-Gerold syndrome (BGS). Also called: CRANIOSYNOSTOSIS WITH RADIAL DEFECTS. Identifiers: Orphanet 1225, MedGen C0265308, MONDO:0009039, OMIM 218600.

Allele frequency attached by ClinVar (database versions not stated): gnomAD exomes below 0.00001.
gnomAD v4.1: 3 of 1,347,322 alleles (0.00022%); highest among the groups gnomAD compares: East Asian, 0.0033%; no homozygotes.

Submission:

Labcorp Genetics (formerly Invitae), Labcorp
Classification: Uncertain significance for Baller-Gerold syndrome. Last evaluated: 2023-06-21. Review status: criteria provided, single submitter. Criteria: Invitae Variant Classification Sherloc (09022015). Collection method: clinical testing. Allele origin: germline.
Comment: In summary, the available evidence is currently insufficient to determine the role of this variant in disease. Therefore, it has been classified as a Variant of Uncertain Significance. Experimental studies and prediction algorithms are not available or were not evaluated, and the functional significance of this variant is currently unknown. This variant has not been reported in the literature in individuals affected with RECQL4-related conditions. This variant is not present in population databases (gnomAD no frequency). This sequence change replaces arginine, which is basic and polar, with histidine, which is basic and polar, at codon 16 of the RECQL4 protein (p.Arg16His).

NM_004260.4(RECQL4):c.47G>A (p.Arg16His)

Genes: RECQL4 (RecQ like helicase 4; minus strand), LOC130001411 (ATAC-STARR-seq lymphoblastoid silent region 19699; plus strand). Cytogenetic location: 8q24.3.
Variant type: single nucleotide variant.
Coding change: c.47G>A on transcript NM_004260.4 (MANE Select); coding-DNA position 47, G replaced by A.
Protein change: p.Arg16His; replaces arginine 16 with histidine.
Molecular consequence: missense variant. On other transcripts: 5 prime UTR variant (17), non-coding transcript variant (3).
Genome position (GRCh38, 1-based): chr8:144,517,738, C>T on the plus strand (G>A on the coding strand, the complement: RECQL4 is on the minus strand). VCF-style: chr8-144517738-C-T. GRCh37 (hg19) VCF-style: chr8-145743122-C-T.
Other names: c.47G>A, p.Arg16His (NM_001413017.1, NM_001413018.1, NM_001413019.1 and 6 more transcripts); c.-739G>A (NM_001413021.1); c.-1090G>A (NM_001413022.1, NM_001413023.1, NM_001413037.1 and 2 more transcripts); c.-987G>A (NM_001413024.1); c.-1087G>A (NM_001413027.1); c.-815G>A (NM_001413028.1); c.-1152G>A (NM_001413030.1, NM_001413031.1, NM_001413041.1); c.-984G>A (NM_001413032.1); and 4 more; short protein forms R16H.
Identifiers: ClinVar variation 2891214 (VCV002891214.3), dbSNP rs1483243361, ClinGen allele CA372693805.